The following is an entry in ClinVar:

ClinVar aggregate classification (germline): Benign (0 of 4 stars; one submission).

Conditions:
SPAG17-related disorder. Also called: SPAG17-related condition.

Allele frequency attached by ClinVar (database versions not stated): ESP Exome Variant Server 0.00008; ExAC 0.00151; 1000 Genomes Project 0.00419; 1000 Genomes Project 30x 0.00422.
gnomAD v4.1: 763 of 1,612,204 alleles (0.047%); highest among the groups gnomAD compares: East Asian, 1.6%; 5 homozygotes.

Submission:

PreventionGenetics, part of Exact Sciences
Classification: Benign for SPAG17-related condition. Last evaluated: 2019-08-26. Review status: no assertion criteria provided. Collection method: clinical testing. Allele origin: germline.
Comment: This variant is classified as benign based on ACMG/AMP sequence variant interpretation guidelines (Richards et al. 2015 PMID: 25741868, with internal and published modifications).

NM_206996.4(SPAG17):c.2837G>T (p.Arg946Leu)

Gene: SPAG17 (sperm associated antigen 17; minus strand). Cytogenetic location: 1p12.
Variant type: single nucleotide variant.
Coding change: c.2837G>T on transcript NM_206996.4 (MANE Select); coding-DNA position 2837, G replaced by T.
Protein change: p.Arg946Leu; replaces arginine 946 with leucine.
Molecular consequence: missense variant.
Genome position (GRCh38, 1-based): chr1:118,042,020, C>A on the plus strand (G>T on the coding strand, the complement: SPAG17 is on the minus strand). VCF-style: chr1-118042020-C-A. GRCh37 (hg19) VCF-style: chr1-118584643-C-A.
Other names: short protein forms R946L.
Identifiers: ClinVar variation 3052929 (VCV003052929.2), dbSNP rs140661130, ClinGen allele CA1033847.